The following is an entry in ClinVar:

NM_000937.5(POLR2A):c.4055T>C (p.Val1352Ala)

Genes: POLR2A (RNA polymerase II subunit A; plus strand), LOC126862482 (CDK7 strongly-dependent group 2 enhancer GRCh37_chr17:7414586-7415785; plus strand). Cytogenetic location: 17p13.1.
Variant type: single nucleotide variant.
Coding change: c.4055T>C on transcript NM_000937.5 (MANE Select); coding-DNA position 4055, T replaced by C.
Protein change: p.Val1352Ala; replaces valine 1352 with alanine.
Molecular consequence: missense variant.
Genome position (GRCh38, 1-based): chr17:7,511,542, T>C. VCF-style: chr17-7511542-T-C. GRCh37 (hg19) VCF-style: chr17-7414861-T-C.
Other names: short protein forms V1352A.
Identifiers: ClinVar variation 2573779 (VCV002573779.1), dbSNP rs2508188920, ClinGen allele CA397821206.

ClinVar aggregate classification (germline): Uncertain significance (1 of 4 stars; one submission).

Submission:

GeneDx
Classification: Uncertain significance. Last evaluated: 2023-01-19. Review status: criteria provided, single submitter. Criteria: GeneDx Variant Classification Process June 2021. Collection method: clinical testing. Allele origin: germline. Affected: yes.
Comment: Not observed at significant frequency in large population cohorts (gnomAD); In silico analysis supports that this missense variant has a deleterious effect on protein structure/function; Has not been previously published as pathogenic or benign to our knowledge